The following is an entry in ClinVar:

ClinVar aggregate classification (germline): Benign. Review status: criteria provided, multiple submitters, no conflicts (2 of 4 stars). 18 submissions from 18 submitters: Benign (13). 5 of the submissions do not count toward it. Last evaluated 2026-03-27.

Conditions:
Dilated cardiomyopathy 3B (CMD3B). Also called: CMD3B: DMD-Related Dilated Cardiomyopathy; CARDIOMYOPATHY, DILATED, X-LINKED; DMD-Associated Dilated Cardiomyopathy. Identifiers: Orphanet 154, MedGen C3668940, MONDO:0010542, OMIM 302045.
Becker muscular dystrophy (BMD). Also called: Becker Muscular Dystrophy (BMD); MUSCULAR DYSTROPHY, PSEUDOHYPERTROPHIC PROGRESSIVE, BECKER TYPE. Identifiers: Orphanet 98895, MedGen C0917713, MONDO:0010311, OMIM 300376.
Duchenne muscular dystrophy (DMD). Also called: Duchenne Muscular Dystrophy (DMD); MUSCULAR DYSTROPHY, PSEUDOHYPERTROPHIC PROGRESSIVE, DUCHENNE TYPE. Identifiers: Orphanet 98896, MedGen C0013264, MONDO:0010679, OMIM 310200.
Cardiomyopathy (CMYO). Also called: Cardiomyopathies. Identifiers: Orphanet 167848, MedGen C0878544, MONDO:0004994, HP:0001638. Inheritance: Various modes of inheritance.
Dystrophin deficiency.
Cardiovascular phenotype. Identifiers: MedGen CN230736.

Allele frequency attached by ClinVar (database versions not stated): ESP Exome Variant Server 0.00758; 1000 Genomes Project 0.00848; 1000 Genomes Project 30x 0.00916; gnomAD 0.00989 and 0.01009; gnomAD exomes 0.01185 and 0.01893; TOPMed 0.01431; ExAC 0.01487.
gnomAD v4.1: 13,987 of 1,206,985 alleles (1.2%); highest among the groups gnomAD compares: Admixed American, 7.3%; 169 homozygotes.

Submissions (18):

Molecular Diagnostic Laboratory for Inherited Cardiovascular Disease, Montreal Heart Institute
Classification: Benign. Last evaluated: 2026-03-27. Review status: criteria provided, single submitter. Criteria: ACMG Guidelines, 2015. Collection method: clinical testing. Allele origin: germline. Affected: no.

Labcorp Genetics (formerly Invitae), Labcorp
Classification: Benign for Duchenne muscular dystrophy. Last evaluated: 2026-02-04. Review status: criteria provided, single submitter. Criteria: Invitae Variant Classification Sherloc (09022015). Collection method: clinical testing. Allele origin: germline.

Athena Diagnostics
Classification: Benign. Last evaluated: 2025-08-12. Review status: criteria provided, single submitter. Criteria: Athena Diagnostics Criteria. Collection method: clinical testing. Allele origin: unknown.
Comment: The frequency of this variant in the general population is higher than would generally be expected for pathogenic variants in this gene.

ARUP Laboratories, Molecular Genetics and Genomics, ARUP Laboratories
Classification: Benign. Last evaluated: 2025-04-16. Review status: criteria provided, single submitter. Criteria: ARUP Molecular Germline Variant Investigation Process 2024. Collection method: clinical testing. Allele origin: germline.

Mayo Clinic Laboratories, Mayo Clinic
Classification: Benign. Last evaluated: 2023-04-28. Review status: criteria provided, single submitter. Criteria: ACMG Guidelines, 2015. Collection method: clinical testing. Allele origin: germline. Observed: 35 variant alleles.

Women's Health and Genetics/Laboratory Corporation of America, LabCorp
Classification: Benign. Last evaluated: 2020-03-12. Review status: criteria provided, single submitter. Criteria: LabCorp Variant Classification Summary - May 2015. Collection method: clinical testing. Allele origin: germline.
Comment: Variant summary: DMD c.3734C>T (p.Thr1245Ile) results in a non-conservative amino acid change in the encoded protein sequence. Three of five in-silico tools predict a benign effect of the variant on protein function. The variant allele was found at a frequency of 0.019 in 182401 control chromosomes, predominantly at a frequency of 0.089 within the Latino subpopulation in the gnomAD database, including 112 homozygotes and 971 hemizygotes. The observed variant frequency within Latino control individuals in the gnomAD database is significantly higher than expected for a pathogenic variant in DMD causing Dystrophinopathies phenotype, strongly suggesting that the variant is a benign polymorphism found primarily in populations of Latino origin. Six ClinVar submitters (evaluation after 2014) cite the variant as benign/likely benign. Based on the evidence outlined above, the variant was classified as benign.

Illumina Laboratory Services, Illumina
Classification: Benign for Dilated cardiomyopathy 3B. Last evaluated: 2018-01-13. Review status: criteria provided, single submitter. Criteria: ICSL Variant Classification Criteria 13 December 2019. Collection method: clinical testing. Allele origin: germline.
Comment: This variant was observed in the ICSL laboratory as part of a predisposition screen in an ostensibly healthy population. It had not been previously curated by ICSL or reported in the Human Gene Mutation Database (HGMD: prior to June 1st, 2018), and was therefore a candidate for classification through an automated scoring system. Utilizing variant allele frequency, disease prevalence and penetrance estimates, and inheritance mode, an automated score was calculated to assess if this variant is too frequent to cause the disease. Based on the score and internal cut-off values, a variant classified as benign is not then subjected to further curation. The score for this variant resulted in a classification of benign for this disease.

Eurofins Ntd Llc (ga)
Classification: Benign. Last evaluated: 2015-08-10. Review status: criteria provided, single submitter. Criteria: EGL Classification Definitions 2015. Collection method: clinical testing. Allele origin: germline. Observed: 16 variant alleles, 9 heterozygotes, 7 hemizygotes.

Ambry Genetics
Classification: Benign for Cardiovascular phenotype. Last evaluated: 2015-06-19. Review status: criteria provided, single submitter. Criteria: Ambry Variant Classification Scheme 2023. Collection method: clinical testing. Allele origin: germline.

Laboratory for Molecular Medicine, Mass General Brigham Personalized Medicine
Classification: Benign. Last evaluated: 2015-01-13. Review status: criteria provided, single submitter. Criteria: LMM Criteria. Collection method: clinical testing. Allele origin: germline. Observed: 9 variant alleles.
Comment: p.Thr1245Ile in exon 27 of DMD: This variant is not expected to have clinical si gnificance because it has been identified in 1.1% (73/6728) of European American chromosomes by the NHLBI Exome Sequencing Project (/EVS/; dbSNP rs1800269).

GeneDx
Classification: Benign. Last evaluated: 2013-10-14. Review status: criteria provided, single submitter. Criteria: GeneDx Variant Classification (06012015). Collection method: clinical testing. Allele origin: germline. Affected: yes.
Comment: This variant is considered likely benign or benign based on one or more of the following criteria: it is a conservative change, it occurs at a poorly conserved position in the protein, it is predicted to be benign by multiple in silico algorithms, and/or has population frequency not consistent with disease.

Breakthrough Genomics
Classification: Benign. Review status: criteria provided, single submitter. Criteria: ACMG Guidelines, 2015. Collection method: not provided. Allele origin: germline. Inheritance: X-linked inheritance. Affected: yes.

PreventionGenetics, part of Exact Sciences
Classification: Benign. Review status: criteria provided, single submitter. Criteria: ACMG Guidelines, 2015. Collection method: clinical testing. Allele origin: germline.

Natera, Inc.
Classification: Benign for Becker muscular dystrophy; Cardiomyopathy; Duchenne muscular dystrophy; Dystrophin deficiency. Last evaluated: 2017-04-21. Review status: no assertion criteria provided. Collection method: clinical testing. Allele origin: germline. Not counted in ClinVar's aggregate classification.

Clinical Genetics, Academic Medical Center
Classification: Benign. Review status: no assertion criteria provided. Collection method: clinical testing. Allele origin: germline. Affected: yes. Study: VKGL Data-share Consensus. Not counted in ClinVar's aggregate classification.

Diagnostic Laboratory, Department of Genetics, University Medical Center Groningen
Classification: Likely benign. Review status: no assertion criteria provided. Collection method: clinical testing. Allele origin: germline. Affected: yes. Study: VKGL Data-share Consensus. Not counted in ClinVar's aggregate classification.

Genome Diagnostics Laboratory, University Medical Center Utrecht
Classification: Likely benign. Review status: no assertion criteria provided. Collection method: clinical testing. Allele origin: germline. Affected: yes. Study: VKGL Data-share Consensus. Not counted in ClinVar's aggregate classification.

Laboratory of Diagnostic Genome Analysis, Leiden University Medical Center (LUMC)
Classification: Benign. Review status: no assertion criteria provided. Collection method: clinical testing. Allele origin: germline. Affected: yes. Study: VKGL Data-share Consensus. Not counted in ClinVar's aggregate classification.

Literature cited by the submitters: PubMed 19937601 (cited by Athena Diagnostics); PubMed 19409785 (cited by Athena Diagnostics).

NM_004006.3(DMD):c.3734C>T (p.Thr1245Ile)

Gene: DMD (dystrophin; minus strand). Cytogenetic location: Xp21.1.
Variant type: single nucleotide variant.
Coding change: c.3734C>T on transcript NM_004006.3 (MANE Select); coding-DNA position 3734, C replaced by T.
Protein change: p.Thr1245Ile; replaces threonine 1245 with isoleucine.
Molecular consequence: missense variant.
Genome position (GRCh38, 1-based): chrX:32,448,508, G>A on the plus strand (C>T on the coding strand, the complement: DMD is on the minus strand). VCF-style: chrX-32448508-G-A. GRCh37 (hg19) VCF-style: chrX-32466625-G-A.
Other names: p.T1245I:ACC>ATC; c.3710C>T, p.Thr1237Ile (NM_000109.4); c.3722C>T, p.Thr1241Ile (NM_004009.3); c.3365C>T, p.Thr1122Ile (NM_004010.3); short protein forms T1245I, T1241I, T1237I, T1122I.
Identifiers: ClinVar variation 94604 (VCV000094604.48), dbSNP rs1800269, ClinGen allele CA285562.